The following is an entry in ClinVar:

ClinVar aggregate classification (germline): Uncertain significance (1 of 4 stars; one submission).

Conditions:
Inborn genetic diseases. Identifiers: MedGen C0950123, MeSH D030342.

gnomAD v4.1: 1 of 1,613,994 alleles (0.000062%); highest among the groups gnomAD compares: Non-Finnish European, 0.000085%; no homozygotes.

Submission:

Ambry Genetics
Classification: Uncertain significance for Inborn genetic diseases. Last evaluated: 2026-06-08. Review status: criteria provided, single submitter. Criteria: Ambry Variant Classification Scheme 2023. Collection method: clinical testing. Allele origin: germline.
Comment: The p.T234P variant (also known as c.700A>C), located in coding exon 5 of the MECOM gene, results from an A to C substitution at nucleotide position 700. The threonine at codon 234 is replaced by proline, an amino acid with highly similar properties. This amino acid position is conserved. In addition, this alteration is predicted to be tolerated by in silico analysis. Based on the available evidence, the clinical significance of this variant remains unclear.

NM_004991.4(MECOM):c.700A>C (p.Thr234Pro)

Gene: MECOM (MDS1 and EVI1 complex locus; minus strand). Cytogenetic location: 3q26.2.
Variant type: single nucleotide variant.
Coding change: c.700A>C on transcript NM_004991.4 (MANE Select); coding-DNA position 700, A replaced by C.
Protein change: p.Thr234Pro; replaces threonine 234 with proline.
Molecular consequence: missense variant.
Genome position (GRCh38, 1-based): chr3:169,127,974, T>G on the plus strand (A>C on the coding strand, the complement: MECOM is on the minus strand). VCF-style: chr3-169127974-T-G. GRCh37 (hg19) VCF-style: chr3-168845762-T-G.
Other names: c.328A>C, p.Thr110Pro (NM_001105077.4); c.136A>C, p.Thr46Pro (NM_001105078.4, NM_001366474.2, NM_005241.4 and 9 more transcripts); c.700A>C, p.Thr234Pro (NM_001366473.2, NM_001366466.2); short protein forms T110P, T234P, T46P.
Identifiers: ClinVar variation 4859815 (VCV004859815.1).